The following is an entry in ClinVar:

NM_005862.3(STAG1):c.2400G>T (p.Met800Ile)

Gene: STAG1 (STAG1 cohesin complex component; minus strand). Cytogenetic location: 3q22.3.
Variant type: single nucleotide variant.
Coding change: c.2400G>T on transcript NM_005862.3 (MANE Select); coding-DNA position 2400, G replaced by T.
Protein change: p.Met800Ile; replaces methionine 800 with isoleucine.
Molecular consequence: missense variant.
Genome position (GRCh38, 1-based): chr3:136,369,253, C>A on the plus strand (G>T on the coding strand, the complement: STAG1 is on the minus strand). VCF-style: chr3-136369253-C-A. GRCh37 (hg19) VCF-style: chr3-136088095-C-A.
Other names: short protein forms M800I.
Identifiers: ClinVar variation 3362186 (VCV003362186.1).

ClinVar aggregate classification (germline): Uncertain significance (1 of 4 stars; one submission).

gnomAD v4.1: 1 of 1,599,448 alleles (0.000063%); highest among the groups gnomAD compares: African/African-American, 0.0014%; no homozygotes.

Submission:

GeneDx
Classification: Uncertain significance. Last evaluated: 2023-05-26. Review status: criteria provided, single submitter. Criteria: GeneDx Variant Classification Process June 2021. Collection method: clinical testing. Allele origin: germline. Affected: yes.
Comment: Not observed at significant frequency in large population cohorts (gnomAD); In silico analysis suggests that this missense variant does not alter protein structure/function, but splice predictors indicate that the variant may lead to abnormal gene splicing; Has not been previously published as pathogenic or benign to our knowledge